The following is an entry in ClinVar:

NM_001386298.1(CIC):c.4273G>A (p.Gly1425Arg)

Gene: CIC (capicua transcriptional repressor; plus strand). Cytogenetic location: 19q13.2.
Variant type: single nucleotide variant.
Coding change: c.4273G>A on transcript NM_001386298.1 (MANE Select); coding-DNA position 4273, G replaced by A.
Protein change: p.Gly1425Arg; replaces glycine 1425 with arginine.
Molecular consequence: missense variant.
Genome position (GRCh38, 1-based): chr19:42,290,314, G>A. VCF-style: chr19-42290314-G-A. GRCh37 (hg19) VCF-style: chr19-42794466-G-A.
Other names: p.Gly1425Arg; c.1546G>A, p.Gly516Arg (NM_015125.5, NM_001379484.1, NM_001379485.1); c.4273G>A, p.Gly1425Arg (NM_001304815.2, NM_001379480.1, NM_001379482.1 and 1 more transcripts); short protein forms G1425R, G516R.
Identifiers: ClinVar variation 2627955 (VCV002627955.3), dbSNP rs777753069, ClinGen allele CA9472037.

ClinVar aggregate classification (germline): Conflicting classifications of pathogenicity. Review status: criteria provided, conflicting classifications (1 of 4 stars). 2 submissions from 2 submitters: Uncertain significance (1); Likely benign (1). Last evaluated 2023-10-27.

Conditions:
Intellectual developmental disorder, autosomal dominant 45. Also called: MENTAL RETARDATION, AUTOSOMAL DOMINANT 45; Intellectual disability, autosomal dominant 45. Identifiers: MedGen C4539848, MONDO:0030910, OMIM 617600.

Allele frequency attached by ClinVar (database versions not stated): ExAC 0.00001; gnomAD exomes 0.00002.
gnomAD v4.1: 9 of 1,614,056 alleles (0.00056%); highest among the groups gnomAD compares: South Asian, 0.0099%; no homozygotes.

Submissions (2):

Foundation for Research in Genetics and Endocrinology, FRIGE's Institute of Human Genetics
Classification: Uncertain significance for Intellectual developmental disorder, autosomal dominant 45. Last evaluated: 2023-10-27. Review status: criteria provided, single submitter. Criteria: ACMG Guidelines, 2015. Collection method: clinical testing. Allele origin: germline. Inheritance: Autosomal dominant inheritance. Affected: yes. Observed: 1 heterozygote.
Comment: A heterozygous missense variant in exon 11 of the CIC gene that results in the amino acid substitution of Arginine for Glycine at codon 1425 (p.Gly1425Arg) was detected. The variant has not been reported in the 1000 genomes, gnomAD (v3.1), gnomdAD (v2.1) and topmed databases. The in silico predictions of the variant are probably damaging by PolyPhen-2 (HumDiv) and damaging by SIFT. The reference codon is conserved across species. In summary, the variant meets our criteria to be classified as a variant of uncertain significance.

Blueprint Genetics
Classification: Likely benign. Last evaluated: 2020-06-12. Review status: criteria provided, single submitter. Criteria: ACMG Guidelines, 2015. Collection method: clinical testing. Allele origin: germline.